The following is an entry in ClinVar:

ClinVar aggregate classification (germline): Uncertain significance (1 of 4 stars; one submission).

Conditions:
DIAPH3-related disorder. Also called: DIAPH3-related condition.

Submission:

PreventionGenetics, part of Exact Sciences
Classification: Uncertain significance for DIAPH3-related condition. Last evaluated: 2025-05-01. Review status: criteria provided, single submitter. Criteria: ACMG Guidelines, 2015. Collection method: clinical testing. Allele origin: germline.
Comment: The DIAPH3 c.1225G>A variant is predicted to result in the amino acid substitution p.Asp409Asn. To our knowledge, this variant has not been reported in the literature or in a large population database (gnomAD), indicating this variant is rare. At this time, the clinical significance of this variant is uncertain due to the absence of conclusive functional and genetic evidence.

NM_001042517.2(DIAPH3):c.1225G>A (p.Asp409Asn)

Gene: DIAPH3 (diaphanous related formin 3; minus strand). Cytogenetic location: 13q21.2.
Variant type: single nucleotide variant.
Coding change: c.1225G>A on transcript NM_001042517.2 (MANE Select); coding-DNA position 1225, G replaced by A.
Protein change: p.Asp409Asn; replaces aspartic acid 409 with asparagine.
Molecular consequence: missense variant.
Genome position (GRCh38, 1-based): chr13:59,992,087, C>T on the plus strand (G>A on the coding strand, the complement: DIAPH3 is on the minus strand). VCF-style: chr13-59992087-C-T. GRCh37 (hg19) VCF-style: chr13-60566221-C-T.
Other names: c.1192G>A, p.Asp398Asn (NM_001258366.2); c.1087G>A, p.Asp363Asn (NM_001258367.2); c.1015G>A, p.Asp339Asn (NM_001258368.2); c.1225G>A, p.Asp409Asn (NM_001258369.2); c.436G>A, p.Asp146Asn (NM_001258370.2, NM_030932.4); short protein forms D339N, D363N, D146N, D398N, D409N.
Identifiers: ClinVar variation 5000583 (VCV005000583.1).